The following is an entry in ClinVar:

ClinVar aggregate classification (germline): Uncertain significance (1 of 4 stars; one submission).

Submission:

GeneDx
Classification: Uncertain significance. Last evaluated: 2023-07-18. Review status: criteria provided, single submitter. Criteria: GeneDx Variant Classification Process June 2021. Collection method: clinical testing. Allele origin: germline. Affected: yes.
Comment: Not observed at significant frequency in large population cohorts (gnomAD); In silico analysis supports that this missense variant does not alter protein structure/function; Has not been previously published as pathogenic or benign to our knowledge

NM_004541.4(NDUFA1):c.34A>G (p.Met12Val)

Genes: NDUFA1 (NADH:ubiquinone oxidoreductase subunit A1; plus strand), LOC130068621 (ATAC-STARR-seq lymphoblastoid active region 29902; plus strand). Cytogenetic location: Xq24.
Variant type: single nucleotide variant.
Coding change: c.34A>G on transcript NM_004541.4 (MANE Select); coding-DNA position 34, A replaced by G.
Protein change: p.Met12Val; replaces methionine 12 with valine.
Molecular consequence: missense variant.
Genome position (GRCh38, 1-based): chrX:119,871,945, A>G. VCF-style: chrX-119871945-A-G. GRCh37 (hg19) VCF-style: chrX-119005908-A-G.
Other names: short protein forms M12V.
Identifiers: ClinVar variation 3361203 (VCV003361203.1).